The following is an entry in ClinVar:

NM_004614.5(TK2):c.367C>T (p.Arg123Cys)

Gene: TK2 (thymidine kinase 2; minus strand). Cytogenetic location: 16q21.
Variant type: single nucleotide variant.
Coding change: c.367C>T on transcript NM_004614.5 (MANE Select); coding-DNA position 367, C replaced by T.
Protein change: p.Arg123Cys; replaces arginine 123 with cysteine.
Molecular consequence: missense variant. On other transcripts: non-coding transcript variant (1).
Genome position (GRCh38, 1-based): chr16:66,531,388, G>A on the plus strand (C>T on the coding strand, the complement: TK2 is on the minus strand). VCF-style: chr16-66531388-G-A. GRCh37 (hg19) VCF-style: chr16-66565291-G-A.
Other names: c.274C>T, p.Arg92Cys (NM_001172643.1, NM_001271935.1); c.292C>T, p.Arg98Cys (NM_001172644.2); c.313C>T, p.Arg105Cys (NM_001172645.2); c.220C>T, p.Arg74Cys (NM_001271934.2); c.76C>T, p.Arg26Cys (NM_001272050.2); short protein forms R105C, R123C, R26C, R74C, R92C, R98C.
Identifiers: ClinVar variation 1203510 (VCV001203510.10), dbSNP rs753881948, ClinGen allele CA8093705.

ClinVar aggregate classification (germline): Uncertain significance. Review status: criteria provided, multiple submitters, no conflicts (2 of 4 stars). 2 submissions from 2 submitters: Uncertain significance (2). Last evaluated 2026-10-02.

gnomAD v4.1: 24 of 1,614,026 alleles (0.0015%); highest among the groups gnomAD compares: South Asian, 0.0022%; no homozygotes.

Submissions (2):

GeneDx
Classification: Uncertain significance. Last evaluated: 2026-10-02. Review status: criteria provided, single submitter. Criteria: GeneDx Variant Classification Process June 2021. Collection method: clinical testing. Allele origin: germline.
Comment: Not observed at significant frequency in large population cohorts (gnomAD); In silico analysis supports that this missense variant has a deleterious effect on protein structure/function; Has not been previously published as pathogenic or benign to our knowledge

Labcorp Genetics (formerly Invitae), Labcorp
Classification: Uncertain significance. Last evaluated: 2021-12-02. Review status: criteria provided, single submitter. Criteria: Invitae Variant Classification Sherloc (09022015). Collection method: clinical testing. Allele origin: germline.
Comment: This sequence change replaces arginine, which is basic and polar, with cysteine, which is neutral and slightly polar, at codon 123 of the TK2 protein (p.Arg123Cys). This variant is present in population databases (rs753881948, gnomAD 0.005%). This variant has not been reported in the literature in individuals affected with TK2-related conditions. ClinVar contains an entry for this variant (Variation ID: 1203510). Advanced modeling of protein sequence and biophysical properties (such as structural, functional, and spatial information, amino acid conservation, physicochemical variation, residue mobility, and thermodynamic stability) performed at Invitae indicates that this missense variant is not expected to disrupt TK2 protein function. In summary, the available evidence is currently insufficient to determine the role of this variant in disease. Therefore, it has been classified as a Variant of Uncertain Significance.